The following is an entry in ClinVar:

NM_147127.5(EVC2):c.1146-47G>C

Genes: EVC2 (EvC ciliary complex subunit 2; minus strand), LOC126806961 (BRD4-independent group 4 enhancer GRCh37_chr4:5641443-5642642; plus strand). Cytogenetic location: 4p16.2.
Variant type: single nucleotide variant.
Coding change: c.1146-47G>C on transcript NM_147127.5 (MANE Select); 47 bases into the intron before coding-DNA position 1146, G replaced by C.
Molecular consequence: intron variant.
Genome position (GRCh38, 1-based): chr4:5,640,885, C>G on the plus strand (G>C on the coding strand, the complement: EVC2 is on the minus strand). VCF-style: chr4-5640885-C-G. GRCh37 (hg19) VCF-style: chr4-5642612-C-G.
Other names: c.906-47G>C (NM_001166136.2).
Identifiers: ClinVar variation 675155 (VCV000675155.2), dbSNP rs73198184, ClinGen allele CA2835137.

ClinVar aggregate classification (germline): Benign. Review status: criteria provided, multiple submitters, no conflicts (2 of 4 stars). 2 submissions from 2 submitters: Benign (2). Last evaluated 2018-06-19.

Allele frequency attached by ClinVar (database versions not stated): 1000 Genomes Project 30x 0.03685; 1000 Genomes Project 0.03714; TOPMed 0.06236; ESP Exome Variant Server 0.06941; ExAC 0.07081; gnomAD 0.07156 and 0.07389; gnomAD exomes 0.07182 and 0.08102.
gnomAD v4.1: 128,165 of 1,605,772 alleles (8%); highest among the groups gnomAD compares: Non-Finnish European, 8.9%; 5,731 homozygotes.

Submissions (2):

GeneDx
Classification: Benign. Last evaluated: 2018-06-19. Review status: criteria provided, single submitter. Criteria: GeneDx Variant Classification (06012015). Collection method: clinical testing. Allele origin: germline. Affected: yes.
Comment: This variant is considered likely benign or benign based on one or more of the following criteria: it is a conservative change, it occurs at a poorly conserved position in the protein, it is predicted to be benign by multiple in silico algorithms, and/or has population frequency not consistent with disease.

Breakthrough Genomics
Classification: Benign. Review status: criteria provided, single submitter. Criteria: ACMG Guidelines, 2015. Collection method: not provided. Allele origin: germline. Inheritance: Autosomal recessive inheritance. Affected: yes.